The following is an entry in ClinVar:

NM_000051.4(ATM):c.5763-11T>C

Genes: ATM (ATM serine/threonine kinase; plus strand), C11orf65 (chromosome 11 open reading frame 65; minus strand). Cytogenetic location: 11q22.3.
Variant type: single nucleotide variant.
Coding change: c.5763-11T>C on transcript NM_000051.4 (MANE Select); 11 bases into the intron before coding-DNA position 5763, T replaced by C.
Molecular consequence: intron variant.
Genome position (GRCh38, 1-based): chr11:108,310,149, T>C. VCF-style: chr11-108310149-T-C. GRCh37 (hg19) VCF-style: chr11-108180876-T-C.
Other names: c.5763-11T>C (NM_001351834.2); c.641-1078A>G (NM_001330368.2); c.*39-1078A>G (NM_001351110.2).
Identifiers: ClinVar variation 379635 (VCV000379635.11), dbSNP rs1057520675, ClinGen allele CA16606198.

ClinVar aggregate classification (germline): Likely benign. Review status: criteria provided, multiple submitters, no conflicts (2 of 4 stars). 3 submissions from 3 submitters: Likely benign (3). Last evaluated 2025-12-23.

Conditions:
Familial cancer of breast. Also called: hereditary breast carcinoma; Hereditary breast cancer; BREAST CANCER, FAMILIAL. Identifiers: Orphanet 227535, MedGen C0346153, MONDO:0016419, OMIM 114480. Disease mechanism: loss of function.
Ataxia-telangiectasia syndrome (AT). Also called: Ataxia-telangiectasia, complementation group D; Ataxia-telangiectasia, complementation group E; LOUIS-BAR SYNDROME; AT, COMPLEMENTATION GROUP C; ATAXIA-TELANGIECTASIA, COMPLEMENTATION GROUP A; ATAXIA-TELANGIECTASIA, FRESNO VARIANT. Identifiers: Orphanet 100, MedGen C0004135, MONDO:0008840, OMIM 208900.

Submissions (3):

Labcorp Genetics (formerly Invitae), Labcorp
Classification: Likely benign for Ataxia-telangiectasia syndrome. Last evaluated: 2025-12-23. Review status: criteria provided, single submitter. Criteria: Invitae Variant Classification Sherloc (09022015). Collection method: clinical testing. Allele origin: germline.

Myriad Genetics, Inc.
Classification: Likely benign for Familial cancer of breast. Last evaluated: 2024-05-24. Review status: criteria provided, single submitter. Criteria: Myriad Autosomal Dominant, Autosomal Recessive and X-Linked Classification Criteria (2023). Collection method: clinical testing. Allele origin: unknown.
Comment: This variant is considered likely benign. This variant is intronic and is not expected to impact mRNA splicing.

GeneDx
Classification: Likely benign. Last evaluated: 2016-12-21. Review status: criteria provided, single submitter. Criteria: GeneDx Variant Classification (06012015). Collection method: clinical testing. Allele origin: germline. Affected: yes.
Comment: This variant is considered likely benign or benign based on one or more of the following criteria: it is a conservative change, it occurs at a poorly conserved position in the protein, it is predicted to be benign by multiple in silico algorithms, and/or has population frequency not consistent with disease.